The following is an entry in ClinVar:

NM_015346.4(ZFYVE26):c.3791G>A (p.Cys1264Tyr)

Gene: ZFYVE26 (zinc finger FYVE-type containing 26; minus strand). Cytogenetic location: 14q24.1.
Variant type: single nucleotide variant.
Coding change: c.3791G>A on transcript NM_015346.4 (MANE Select); coding-DNA position 3791, G replaced by A.
Protein change: p.Cys1264Tyr; replaces cysteine 1264 with tyrosine.
Molecular consequence: missense variant.
Genome position (GRCh38, 1-based): chr14:67,783,361, C>T on the plus strand (G>A on the coding strand, the complement: ZFYVE26 is on the minus strand). VCF-style: chr14-67783361-C-T. GRCh37 (hg19) VCF-style: chr14-68250078-C-T.
Other names: p.Cys1264Tyr; short protein forms C1264Y.
Identifiers: ClinVar variation 2505039 (VCV002505039.3), dbSNP rs1024891250, ClinGen allele CA262849348.

ClinVar aggregate classification (germline): Uncertain significance. Review status: criteria provided, multiple submitters, no conflicts (2 of 4 stars). 3 submissions from 3 submitters: Uncertain significance (3). Last evaluated 2025-05-20.

Allele frequency attached by ClinVar (database versions not stated): gnomAD 0.00001; gnomAD exomes 0.00002; TOPMed 0.00002.
gnomAD v4.1: 25 of 1,613,264 alleles (0.0015%); highest among the groups gnomAD compares: Non-Finnish European, 0.0021%; no homozygotes.

Submissions (3):

Mayo Clinic Laboratories, Mayo Clinic
Classification: Uncertain significance. Last evaluated: 2025-05-20. Review status: criteria provided, single submitter. Criteria: ACMG Guidelines, 2015. Collection method: clinical testing. Allele origin: germline. Observed: 1 variant allele.
Comment: BP4_moderate, PM2_supporting

Blueprint Genetics
Classification: Uncertain significance. Last evaluated: 2024-10-24. Review status: criteria provided, single submitter. Criteria: ACMG Guidelines, 2015. Collection method: clinical testing. Allele origin: germline.

GeneDx
Classification: Uncertain significance. Last evaluated: 2022-12-06. Review status: criteria provided, single submitter. Criteria: GeneDx Variant Classification Process June 2021. Collection method: clinical testing. Allele origin: germline. Affected: yes.
Comment: Not observed at significant frequency in large population cohorts (gnomAD); In silico analysis supports that this missense variant does not alter protein structure/function; Has not been previously published as pathogenic or benign to our knowledge